The following is an entry in ClinVar:

NM_020708.5(SLC12A5):c.286C>A (p.Arg96Ser)

Gene: SLC12A5 (solute carrier family 12 member 5; plus strand). Cytogenetic location: 20q13.12.
Variant type: single nucleotide variant.
Coding change: c.286C>A on transcript NM_020708.5 (MANE Select); coding-DNA position 286, C replaced by A.
Protein change: p.Arg96Ser; replaces arginine 96 with serine.
Molecular consequence: missense variant.
Genome position (GRCh38, 1-based): chr20:46,035,783, C>A. VCF-style: chr20-46035783-C-A. GRCh37 (hg19) VCF-style: chr20-44664422-C-A.
Other names: c.355C>A, p.Arg119Ser (NM_001134771.2); short protein forms R96S, R119S.
Identifiers: ClinVar variation 1525674 (VCV001525674.3), dbSNP rs145700012, ClinGen allele CA409187482.

ClinVar aggregate classification (germline): Uncertain significance (1 of 4 stars; one submission).

Conditions:
Developmental and epileptic encephalopathy, 34 (DEE34). Also called: SLC12A5-Related Epilepsy of Infancy with Migrating Focal Seizures; Early infantile epileptic encephalopathy 34. Identifiers: Orphanet 293181, MedGen C4225257, MONDO:0014718, OMIM 616645.

Submission:

Labcorp Genetics (formerly Invitae), Labcorp
Classification: Uncertain significance for Developmental and epileptic encephalopathy, 34. Last evaluated: 2021-10-15. Review status: criteria provided, single submitter. Criteria: Invitae Variant Classification Sherloc (09022015). Collection method: clinical testing. Allele origin: germline.
Comment: This sequence change replaces arginine with serine at codon 96 of the SLC12A5 protein (p.Arg96Ser). The arginine residue is moderately conserved and there is a moderate physicochemical difference between arginine and serine. This variant is not present in population databases (ExAC no frequency). This variant has not been reported in the literature in individuals affected with SLC12A5-related conditions. Advanced modeling of protein sequence and biophysical properties (such as structural, functional, and spatial information, amino acid conservation, physicochemical variation, residue mobility, and thermodynamic stability) performed at Invitae indicates that this missense variant is not expected to disrupt SLC12A5 protein function. In summary, the available evidence is currently insufficient to determine the role of this variant in disease. Therefore, it has been classified as a Variant of Uncertain Significance.